The following is an entry in ClinVar:

ClinVar aggregate classification (germline): Benign (1 of 4 stars; one submission).

Allele frequency attached by ClinVar (database versions not stated): 1000 Genomes Project 0.00359; 1000 Genomes Project 30x 0.00390; gnomAD 0.00748; ExAC 0.00789; TOPMed 0.00830; ESP Exome Variant Server 0.00907.
gnomAD v4.1: 17,074 of 1,551,400 alleles (1.1%); highest among the groups gnomAD compares: Non-Finnish European, 1.3%; 126 homozygotes.

Submission:

CeGaT Center for Human Genetics Tuebingen
Classification: Benign. Last evaluated: 2023-02-01. Review status: criteria provided, single submitter. Criteria: CeGaT Center For Human Genetics Tuebingen Variant Classification Criteria Version 2. Collection method: clinical testing. Allele origin: germline. Affected: yes. Observed: 1 variant allele.
Comment: CFAP221: BP4, BS1, BS2

NM_001271049.2(CFAP221):c.838G>A (p.Val280Ile)

Gene: CFAP221 (cilia and flagella associated protein 221; plus strand). Cytogenetic location: 2q14.2.
Variant type: single nucleotide variant.
Coding change: c.838G>A on transcript NM_001271049.2 (MANE Select); coding-DNA position 838, G replaced by A.
Protein change: p.Val280Ile; replaces valine 280 with isoleucine.
Molecular consequence: missense variant. On other transcripts: non-coding transcript variant (2).
Genome position (GRCh38, 1-based): chr2:119,604,718, G>A. VCF-style: chr2-119604718-G-A. GRCh37 (hg19) VCF-style: chr2-120362294-G-A.
Other names: short protein forms V280I.
Identifiers: ClinVar variation 2651305 (VCV002651305.24), dbSNP rs61741340, ClinGen allele CA1848198.